The following is an entry in ClinVar:

NM_014797.3(ZBTB24):c.226_227del (p.Ile76fs)

Gene: ZBTB24 (zinc finger and BTB domain containing 24; minus strand). Cytogenetic location: 6q21.
Variant type: Deletion.
Coding change: c.226_227del on transcript NM_014797.3 (MANE Select); coding-DNA positions 226 to 227, 2 bases deleted (AT; older notation c.226_227delAT).
Protein change: p.Ile76fs; shifts the reading frame from isoleucine 76.
Molecular consequence: frameshift variant.
Genome position (GRCh38, 1-based): chr6:109,481,800-109,481,801, AT deleted on the plus strand (AT on the coding strand, the reverse complement: ZBTB24 is on the minus strand). VCF-style (leftmost placement, unchanged base first): chr6-109481799-AAT-A. GRCh37 (hg19) VCF-style: chr6-109803002-AAT-A.
Other names: c.226_227del, p.Ile76fs (NM_001164313.2); short protein forms I76fs.
Identifiers: ClinVar variation 2863511 (VCV002863511.3), dbSNP rs2482883121, ClinGen allele CA2739265935.

ClinVar aggregate classification (germline): Pathogenic (1 of 4 stars; one submission).

Conditions:
Immunodeficiency-centromeric instability-facial anomalies syndrome 2 (ICF2). Identifiers: Orphanet 2268, MedGen C3279748, MONDO:0013553, OMIM 614069.

Submission:

Labcorp Genetics (formerly Invitae), Labcorp
Classification: Pathogenic for Immunodeficiency-centromeric instability-facial anomalies syndrome 2. Last evaluated: 2023-06-02. Review status: criteria provided, single submitter. Criteria: Invitae Variant Classification Sherloc (09022015). Collection method: clinical testing. Allele origin: germline.
Comment: This sequence change creates a premature translational stop signal (p.Ile76Leufs*27) in the ZBTB24 gene. It is expected to result in an absent or disrupted protein product. Loss-of-function variants in ZBTB24 are known to be pathogenic (PMID: 21596365). This variant is not present in population databases (gnomAD no frequency). This variant has not been reported in the literature in individuals affected with ZBTB24-related conditions. For these reasons, this variant has been classified as Pathogenic.

Literature cited by the submitters: PubMed 21596365.